The following is an entry in ClinVar:

NM_012338.4(TSPAN12):c.355C>G (p.Leu119Val)

Gene: TSPAN12 (tetraspanin 12; minus strand). Cytogenetic location: 7q31.31.
Variant type: single nucleotide variant.
Coding change: c.355C>G on transcript NM_012338.4 (MANE Select); coding-DNA position 355, C replaced by G.
Protein change: p.Leu119Val; replaces leucine 119 with valine.
Molecular consequence: missense variant.
Genome position (GRCh38, 1-based): chr7:120,815,734, G>C on the plus strand (C>G on the coding strand, the complement: TSPAN12 is on the minus strand). VCF-style: chr7-120815734-G-C. GRCh37 (hg19) VCF-style: chr7-120455788-G-C.
Other names: short protein forms L119V.
Identifiers: ClinVar variation 3689758 (VCV003689758.2).

ClinVar aggregate classification (germline): Uncertain significance (1 of 4 stars; one submission).

gnomAD v4.1: 2 of 1,612,348 alleles (0.00012%); highest among the groups gnomAD compares: South Asian, 0.0022%; no homozygotes.

Submission:

Labcorp Genetics (formerly Invitae), Labcorp
Classification: Uncertain significance. Last evaluated: 2024-11-07. Review status: criteria provided, single submitter. Criteria: Invitae Variant Classification Sherloc (09022015). Collection method: clinical testing. Allele origin: germline.
Comment: This sequence change replaces leucine, which is neutral and non-polar, with valine, which is neutral and non-polar, at codon 119 of the TSPAN12 protein (p.Leu119Val). The frequency data for this variant in the population databases is considered unreliable, as metrics indicate poor data quality at this position in the gnomAD database. This variant has not been reported in the literature in individuals affected with TSPAN12-related conditions. Invitae Evidence Modeling of protein sequence and biophysical properties (such as structural, functional, and spatial information, amino acid conservation, physicochemical variation, residue mobility, and thermodynamic stability) indicates that this missense variant is not expected to disrupt TSPAN12 protein function with a negative predictive value of 80%. In summary, the available evidence is currently insufficient to determine the role of this variant in disease. Therefore, it has been classified as a Variant of Uncertain Significance.